The following is an entry in ClinVar:

NC_000023.10:g.(?_46466387)_(46719557_?)del

Genes: RP2 (RP2 activator of ARL3 GTPase; plus strand), SLC9A7 (solute carrier family 9 member A7; minus strand). Cytogenetic location: Xp11.23.
Variant type: Deletion.
Identifiers: ClinVar variation 2425664 (VCV002425664.4).

ClinVar aggregate classification (germline): Pathogenic (1 of 4 stars; one submission).

Submission:

Labcorp Genetics (formerly Invitae), Labcorp
Classification: Pathogenic. Last evaluated: 2023-09-05. Review status: criteria provided, single submitter. Criteria: Invitae Variant Classification Sherloc (09022015). Collection method: clinical testing. Allele origin: germline.
Comment: This variant is a gross deletion of the genomic region encompassing exon(s) 1-3 of the RP2 gene, which includes the initiator codon. This deletion extends beyond the assayed region for this gene and therefore may encompass additional genes. It is expected to result in an absent or disrupted protein product. Loss-of-function variants in RP2 are known to be pathogenic (PMID: 11992260, 20625056). This variant has not been reported in the literature in individuals affected with RP2-related conditions. For these reasons, this variant has been classified as Pathogenic.

Literature cited by the submitters: PubMed 11992260; PubMed 20625056.